The following is an entry in ClinVar:

NM_000539.3(RHO):c.611T>A (p.Val204Asp)

Gene: RHO (rhodopsin; plus strand). Cytogenetic location: 3q22.1.
Variant type: single nucleotide variant.
Coding change: c.611T>A on transcript NM_000539.3 (MANE Select); coding-DNA position 611, T replaced by A.
Protein change: p.Val204Asp; replaces valine 204 with aspartic acid.
Molecular consequence: missense variant.
Genome position (GRCh38, 1-based): chr3:129,532,331, T>A. VCF-style: chr3-129532331-T-A. GRCh37 (hg19) VCF-style: chr3-129251174-T-A.
Other names: short protein forms V204D.
Identifiers: ClinVar variation 3640041 (VCV003640041.2).

ClinVar aggregate classification (germline): Uncertain significance (1 of 4 stars; one submission).

Submission:

Labcorp Genetics (formerly Invitae), Labcorp
Classification: Uncertain significance. Last evaluated: 2024-02-10. Review status: criteria provided, single submitter. Criteria: Invitae Variant Classification Sherloc (09022015). Collection method: clinical testing. Allele origin: germline.
Comment: This sequence change replaces valine, which is neutral and non-polar, with aspartic acid, which is acidic and polar, at codon 204 of the RHO protein (p.Val204Asp). This variant is not present in population databases (gnomAD no frequency). This variant has not been reported in the literature in individuals affected with RHO-related conditions. Advanced modeling of protein sequence and biophysical properties (such as structural, functional, and spatial information, amino acid conservation, physicochemical variation, residue mobility, and thermodynamic stability) performed at Invitae indicates that this missense variant is expected to disrupt RHO protein function with a positive predictive value of 80%. In summary, the available evidence is currently insufficient to determine the role of this variant in disease. Therefore, it has been classified as a Variant of Uncertain Significance.